The following is an entry in ClinVar:

ClinVar aggregate classification (germline): Benign/Likely benign. Review status: criteria provided, multiple submitters, no conflicts (2 of 4 stars). 7 submissions from 7 submitters: Benign (5); Likely benign (1). 1 of the submissions does not count toward it. Last evaluated 2024-11-26.

Conditions:
Primary ciliary dyskinesia. Also called: Ciliary dyskinesia. Identifiers: Orphanet 244, MedGen C0008780, MONDO:0016575, HP:0012265.

Submissions (7):

Blueprint Genetics
Classification: Benign. Last evaluated: 2024-11-26. Review status: criteria provided, single submitter. Criteria: ACMG Guidelines, 2015. Collection method: clinical testing. Allele origin: germline.

Labcorp Genetics (formerly Invitae), Labcorp
Classification: Benign for Primary ciliary dyskinesia. Last evaluated: 2022-11-22. Review status: criteria provided, single submitter. Criteria: Invitae Variant Classification Sherloc (09022015). Collection method: clinical testing. Allele origin: germline.

Mayo Clinic Laboratories, Mayo Clinic
Classification: Benign. Last evaluated: 2022-04-26. Review status: criteria provided, single submitter. Criteria: ACMG Guidelines, 2015. Collection method: clinical testing. Allele origin: germline. Observed: 65 variant alleles.

GeneDx
Classification: Benign. Last evaluated: 2019-08-15. Review status: criteria provided, single submitter. Criteria: GeneDx Variant Classification Process June 2021. Collection method: clinical testing. Allele origin: germline. Affected: yes.

Laboratory for Molecular Medicine, Mass General Brigham Personalized Medicine
Classification: Benign. Last evaluated: 2016-03-28. Review status: criteria provided, single submitter. Criteria: LMM Criteria. Collection method: clinical testing. Allele origin: germline.
Comment: Variant identified in a genome or exome case(s) and assessed due to predicted null impact of the variant or pathogenic assertions in the literature or databases. Disclaimer: This variant has not undergone full assessment. The following are preliminary notes: Frequency

Ambry Genetics
Classification: Likely benign for Primary ciliary dyskinesia. Last evaluated: 2015-07-30. Review status: criteria provided, single submitter. Criteria: Ambry Variant Classification Scheme 2023. Collection method: clinical testing. Allele origin: germline.

Natera, Inc.
Classification: Benign for Primary ciliary dyskinesia. Last evaluated: 2020-09-16. Review status: no assertion criteria provided. Collection method: clinical testing. Allele origin: germline. Not counted in ClinVar's aggregate classification.

NM_001369.3(DNAH5):c.2578-8_2578-7del

Genes: DNAH5 (dynein axonemal heavy chain 5; minus strand), DNAH5-AS1 (DNAH5 antisense RNA 1; plus strand). Cytogenetic location: 5p15.2.
Variant type: Deletion.
Coding change: c.2578-8_2578-7del on transcript NM_001369.3 (MANE Select); 8 bases into the intron before coding-DNA position 2578 through 7 bases into the intron before coding-DNA position 2578, 2 bases deleted (TT; older notation c.2578-8_2578-7delTT).
Molecular consequence: intron variant.
Genome position (GRCh38, 1-based): chr5:13,886,136-13,886,137, AA deleted on the plus strand (TT on the coding strand, the reverse complement: DNAH5 is on the minus strand); deleting any 2 consecutive bases within chr5:13,886,136-13,886,154 gives the same sequence; the c. name uses the placement nearest the transcript's 3' end. VCF-style (leftmost placement, unchanged base first): chr5-13886135-CAA-C. GRCh37 (hg19) VCF-style: chr5-13886244-CAA-C.
Other names: p.?; c.2578-8_2578-7delTT (NM_001369.2); c.2578-8_2578-7del (NM_001369.2).
Identifiers: ClinVar variation 402729 (VCV000402729.15), dbSNP rs71600031, ClinGen allele CA3204533.